The following is an entry in ClinVar:

NM_001711.6(BGN):c.793A>G (p.Ile265Val)

Gene: BGN (biglycan; plus strand). Cytogenetic location: Xq28.
Variant type: single nucleotide variant.
Coding change: c.793A>G on transcript NM_001711.6 (MANE Select); coding-DNA position 793, A replaced by G.
Protein change: p.Ile265Val; replaces isoleucine 265 with valine.
Molecular consequence: missense variant.
Genome position (GRCh38, 1-based): chrX:153,507,069, A>G. VCF-style: chrX-153507069-A-G. GRCh37 (hg19) VCF-style: chrX-152772527-A-G.
Other names: short protein forms I265V.
Identifiers: ClinVar variation 1317581 (VCV001317581.18), dbSNP rs188309404, ClinGen allele CA10547332.

ClinVar aggregate classification (germline): Conflicting classifications of pathogenicity. Review status: criteria provided, conflicting classifications (1 of 4 stars). 4 submissions from 4 submitters: Uncertain significance (1); Likely benign (3). Last evaluated 2025-09-01.

Conditions:
Cardiovascular phenotype. Identifiers: MedGen CN230736.

Allele frequency attached by ClinVar (database versions not stated): gnomAD 0.00003 and 0.00004; ExAC 0.00004; TOPMed 0.00004; gnomAD exomes 0.00005 and 0.00009; 1000 Genomes Project 30x 0.00021; 1000 Genomes Project 0.00026.
gnomAD v4.1: 102 of 1,208,706 alleles (0.0084%); highest among the groups gnomAD compares: Middle Eastern, 0.046%; no homozygotes.

Submissions (4):

CeGaT Center for Human Genetics Tuebingen
Classification: Likely benign. Last evaluated: 2025-09-01. Review status: criteria provided, single submitter. Criteria: CeGaT Center For Human Genetics Tuebingen Variant Classification Criteria Version 2. Collection method: clinical testing. Allele origin: germline. Affected: yes. Observed: 1 variant allele.
Comment: BGN: BS2

Labcorp Genetics (formerly Invitae), Labcorp
Classification: Uncertain significance. Last evaluated: 2025-03-26. Review status: criteria provided, single submitter. Criteria: Invitae Variant Classification Sherloc (09022015). Collection method: clinical testing. Allele origin: germline.
Comment: This sequence change replaces isoleucine, which is neutral and non-polar, with valine, which is neutral and non-polar, at codon 265 of the BGN protein (p.Ile265Val). This variant is present in population databases (rs188309404, gnomAD 0.009%). This variant has not been reported in the literature in individuals affected with BGN-related conditions. ClinVar contains an entry for this variant (Variation ID: 1317581). Invitae Evidence Modeling of protein sequence and biophysical properties (such as structural, functional, and spatial information, amino acid conservation, physicochemical variation, residue mobility, and thermodynamic stability) indicates that this missense variant is not expected to disrupt BGN protein function with a negative predictive value of 80%. In summary, the available evidence is currently insufficient to determine the role of this variant in disease. Therefore, it has been classified as a Variant of Uncertain Significance.

Ambry Genetics
Classification: Likely benign for Cardiovascular phenotype. Last evaluated: 2021-04-08. Review status: criteria provided, single submitter. Criteria: Ambry Variant Classification Scheme 2023. Collection method: clinical testing. Allele origin: germline.

GeneDx
Classification: Likely benign. Last evaluated: 2020-12-04. Review status: criteria provided, single submitter. Criteria: GeneDx Variant Classification Process June 2021. Collection method: clinical testing. Allele origin: germline. Affected: yes.